The following is an entry in ClinVar:

NM_001267550.2(TTN):c.32539G>T (p.Val10847Leu)

Gene: TTN (titin; minus strand). Cytogenetic location: 2q31.2.
Variant type: single nucleotide variant.
Coding change: c.32539G>T on transcript NM_001267550.2 (MANE Select); coding-DNA position 32539, G replaced by T.
Protein change: p.Val10847Leu; replaces valine 10847 with leucine.
Molecular consequence: missense variant. On other transcripts: intron variant (3).
Genome position (GRCh38, 1-based): chr2:178,684,921, C>A on the plus strand (G>T on the coding strand, the complement: TTN is on the minus strand). VCF-style: chr2-178684921-C-A. GRCh37 (hg19) VCF-style: chr2-179549648-C-A.
Other names: c.31588G>T, p.Val10530Leu (NM_001256850.1); c.28807G>T, p.Val9603Leu (NM_133378.4); c.13283-42604G>T (NM_003319.4); c.13859-42604G>T (NM_133437.4); c.13658-42604G>T (NM_133432.3); short protein forms V10530L, V10847L, V9603L.
Identifiers: ClinVar variation 4529830 (VCV004529830.1).
Genomic context (GRCh38, chr2:178,684,921, plus strand): 5'-GATTAAAAAAAGACAGTCTTGAGAATAAAATAAAATCCAATATACCTTTAGGTGGGGGCA[C>A]CTTTTCCTTTTTAGGAACTGGAGCAGGAACTTTCTTTTCTGGCACAATTTTCTTAGGTGC-3'
Protein context (NP_001254479.2, residues 10837-10857): VPAPVPKKEK[Val10847Leu]PPPKVPEEPK

ClinVar aggregate classification (germline): Uncertain significance (1 of 4 stars; one submission).

Submission:

GeneDx
Classification: Uncertain significance. Last evaluated: 2025-05-14. Review status: criteria provided, single submitter. Criteria: GeneDx Variant Classification Process June 2021. Collection method: clinical testing. Allele origin: germline. Affected: yes.
Comment: Not observed at significant frequency in large population cohorts (gnomAD); Missense variant in a gene in which most reported pathogenic variants are truncating/loss of function; Has not been previously published as pathogenic or benign to our knowledge